The following is an entry in ClinVar:

ClinVar aggregate classification (germline): Likely benign. Review status: criteria provided, multiple submitters, no conflicts (2 of 4 stars). 3 submissions from 3 submitters: Likely benign (3). Last evaluated 2024-10-17.

Conditions:
Familial thoracic aortic aneurysm and aortic dissection (TAAD). Also called: Thoracic aortic aneurysms and dissections. Identifiers: Orphanet 91387, MedGen C4707243, MONDO:0019625.
Marfan syndrome (MFS). Also called: Marfan syndrome, classic; Marfan syndrome type 1; Marfan's syndrome; MARFAN SYNDROME, TYPE I; FBN1-Related Marfan Syndrome. Identifiers: Orphanet 284963, Orphanet 558, MedGen C0024796, MONDO:0007947, OMIM 154700.

Allele frequency attached by ClinVar (database versions not stated): gnomAD 0.00001; ExAC 0.00002; TOPMed 0.00001; gnomAD exomes 0.00002 and 0.00001.
gnomAD v4.1: 7 of 1,614,058 alleles (0.00043%); highest among the groups gnomAD compares: Admixed American, 0.012%; no homozygotes.

Submissions (3):

Labcorp Genetics (formerly Invitae), Labcorp
Classification: Likely benign for Marfan syndrome; Familial thoracic aortic aneurysm and aortic dissection. Last evaluated: 2024-10-17. Review status: criteria provided, single submitter. Criteria: Invitae Variant Classification Sherloc (09022015). Collection method: clinical testing. Allele origin: germline.

All of Us Research Program, National Institutes of Health
Classification: Likely benign for Marfan syndrome. Last evaluated: 2024-01-11. Review status: criteria provided, single submitter. Criteria: ACMG Guidelines, 2015. Collection method: clinical testing. Allele origin: germline. Inheritance: Autosomal dominant inheritance. Observed: 5 variant alleles, 5 heterozygotes.
Comment: This study involves interpretation of variants in research participants for the purpose of population health screening. Participant phenotype was not available at the time of variant classification. Additional details can be found in publication PMID: 35346344, PMCID: PMC8962531

Ambry Genetics
Classification: Likely benign for Familial thoracic aortic aneurysm and aortic dissection. Last evaluated: 2016-08-09. Review status: criteria provided, single submitter. Criteria: Ambry Variant Classification Scheme 2023. Collection method: clinical testing. Allele origin: germline.

NM_000138.5(FBN1):c.4089T>C (p.Asp1363=)

Gene: FBN1 (fibrillin 1; minus strand). Cytogenetic location: 15q21.1.
Variant type: single nucleotide variant.
Coding change: c.4089T>C on transcript NM_000138.5 (MANE Select); coding-DNA position 4089, T replaced by C.
Protein change: p.Asp1363=; no amino-acid change (aspartic acid 1363 retained).
Molecular consequence: synonymous variant.
Genome position (GRCh38, 1-based): chr15:48,474,376, A>G on the plus strand (T>C on the coding strand, the complement: FBN1 is on the minus strand). VCF-style: chr15-48474376-A-G. GRCh37 (hg19) VCF-style: chr15-48766573-A-G.
Identifiers: ClinVar variation 413887 (VCV000413887.16), dbSNP rs751099175, ClinGen allele CA052060.
Genomic context (GRCh38, chr15:48,474,376, plus strand): 5'-GGTATTCTTGCAGTCTGCATGCTGGCTGCACATATGGGTTCCATTGGAACATTCGTCCAG[A>G]TCTTATAGAAAAAGGTTATATCATTATTAACAGAAAGGGTGGTATTTAAAACCAATAATA-3'
Protein context (NP_000129.3, residues 1353-1373): GWIGDGIKCT[Asp1363=]LDECSNGTHM